The following is an entry in ClinVar:

ClinVar aggregate classification (germline): Uncertain significance (1 of 4 stars; one submission).

Submission:

GeneDx
Classification: Uncertain significance. Last evaluated: 2024-05-21. Review status: criteria provided, single submitter. Criteria: GeneDx Variant Classification Process June 2021. Collection method: clinical testing. Allele origin: germline. Affected: yes.
Comment: Not observed at significant frequency in large population cohorts (gnomAD); In silico analysis supports that this missense variant has a deleterious effect on protein structure/function; Has not been previously published as pathogenic or benign to our knowledge

NM_138615.3(DHX30):c.2653A>G (p.Lys885Glu)

Gene: DHX30 (DExH-box helicase 30; plus strand). Cytogenetic location: 3p21.31.
Variant type: single nucleotide variant.
Coding change: c.2653A>G on transcript NM_138615.3 (MANE Select); coding-DNA position 2653, A replaced by G.
Protein change: p.Lys885Glu; replaces lysine 885 with glutamic acid.
Molecular consequence: missense variant.
Genome position (GRCh38, 1-based): chr3:47,848,701, A>G. VCF-style: chr3-47848701-A-G. GRCh37 (hg19) VCF-style: chr3-47890191-A-G.
Other names: c.2569A>G, p.Lys857Glu (NM_001330990.2); c.2536A>G, p.Lys846Glu (NM_014966.4); short protein forms K846E, K857E, K885E.
Identifiers: ClinVar variation 3381630 (VCV003381630.1).